The following is an entry in ClinVar:

NM_000548.5(TSC2):c.5362T>C (p.Tyr1788His)

Gene: TSC2 (TSC complex subunit 2; plus strand). Cytogenetic location: 16p13.3.
Variant type: single nucleotide variant.
Coding change: c.5362T>C on transcript NM_000548.5 (MANE Select); coding-DNA position 5362, T replaced by C.
Protein change: p.Tyr1788His; replaces tyrosine 1788 with histidine.
Molecular consequence: missense variant.
Genome position (GRCh38, 1-based): chr16:2,088,548, T>C. VCF-style: chr16-2088548-T-C. GRCh37 (hg19) VCF-style: chr16-2138549-T-C.
Other names: c.5161T>C, p.Tyr1721His (NM_001077183.3); c.5293T>C, p.Tyr1765His (NM_001114382.3); c.5053T>C, p.Tyr1685His (NM_001318827.2); c.5017T>C, p.Tyr1673His (NM_001318829.2); c.4630T>C, p.Tyr1544His (NM_001318831.2); c.5194T>C, p.Tyr1732His (NM_001318832.2); c.5164T>C, p.Tyr1722His (NM_001363528.2); c.5230T>C, p.Tyr1744His (NM_001370404.1); and 2 more; short protein forms Y1788H, Y1722H, Y1741H, Y1765H, Y1732H, Y1744H, Y1745H, Y1721H.
Identifiers: ClinVar variation 406106 (VCV000406106.9), dbSNP rs904411432, ClinGen allele CA16615053.

ClinVar aggregate classification (germline): Uncertain significance. Review status: criteria provided, multiple submitters, no conflicts (2 of 4 stars). 2 submissions from 2 submitters: Uncertain significance (2). Last evaluated 2024-12-12.

Conditions:
Hereditary cancer-predisposing syndrome. Also called: Tumor predisposition; Neoplastic Syndromes, Hereditary; Hereditary Cancer Syndrome; Hereditary neoplastic syndrome. Identifiers: Orphanet 140162, MedGen C0027672, MeSH D009386, MONDO:0015356.
Tuberous sclerosis 2 (TSC2). Identifiers: Orphanet 805, MedGen C1860707, MONDO:0013199, OMIM 613254.

Allele frequency attached by ClinVar (database versions not stated): gnomAD exomes below 0.00001; TOPMed 0.00001.
gnomAD v4.1: 2 of 1,611,772 alleles (0.00012%); highest among the groups gnomAD compares: Admixed American, 0.0033%; no homozygotes.

Submissions (2):

Ambry Genetics
Classification: Uncertain significance for Hereditary cancer-predisposing syndrome. Last evaluated: 2024-12-12. Review status: criteria provided, single submitter. Criteria: Ambry Variant Classification Scheme 2023. Collection method: clinical testing. Allele origin: germline.
Comment: The p.Y1788H variant (also known as c.5362T>C), located in coding exon 41 of the TSC2 gene, results from a T to C substitution at nucleotide position 5362. The tyrosine at codon 1788 is replaced by histidine, an amino acid with similar properties. This amino acid position is conserved. In addition, the in silico prediction for this alteration is inconclusive. Based on the available evidence, the clinical significance of this variant remains unclear.

Labcorp Genetics (formerly Invitae), Labcorp
Classification: Uncertain significance for Tuberous sclerosis 2. Last evaluated: 2024-03-26. Review status: criteria provided, single submitter. Criteria: Invitae Variant Classification Sherloc (09022015). Collection method: clinical testing. Allele origin: germline.
Comment: This sequence change replaces tyrosine, which is neutral and polar, with histidine, which is basic and polar, at codon 1788 of the TSC2 protein (p.Tyr1788His). This variant is not present in population databases (gnomAD no frequency). This variant has not been reported in the literature in individuals affected with TSC2-related conditions. ClinVar contains an entry for this variant (Variation ID: 406106). Advanced modeling of protein sequence and biophysical properties (such as structural, functional, and spatial information, amino acid conservation, physicochemical variation, residue mobility, and thermodynamic stability) performed at Invitae indicates that this missense variant is not expected to disrupt TSC2 protein function with a negative predictive value of 95%. In summary, the available evidence is currently insufficient to determine the role of this variant in disease. Therefore, it has been classified as a Variant of Uncertain Significance.